The following is an entry in ClinVar:

ClinVar aggregate classification (germline): Uncertain significance (0 of 4 stars; one submission).

Conditions:
ZNF674-related disorder. Also called: ZNF674-related condition.

Submission:

PreventionGenetics, part of Exact Sciences
Classification: Uncertain significance for ZNF674-related condition. Last evaluated: 2024-04-04. Review status: no assertion criteria provided. Collection method: clinical testing. Allele origin: germline.
Comment: The ZNF674 c.590A>T variant is predicted to result in the amino acid substitution p.Asp197Val. To our knowledge, this variant has not been reported in the literature or in a large population database, indicating this variant is rare. At this time, the clinical significance of this variant is uncertain due to the absence of conclusive functional and genetic evidence.

NM_001190417.2(ZNF674):c.575A>T (p.Asp192Val)

Gene: ZNF674 (zinc finger protein 674; minus strand). Cytogenetic location: Xp11.3.
Variant type: single nucleotide variant.
Coding change: c.575A>T on transcript NM_001190417.2 (MANE Select); coding-DNA position 575, A replaced by T.
Protein change: p.Asp192Val; replaces aspartic acid 192 with valine.
Molecular consequence: missense variant.
Genome position (GRCh38, 1-based): chrX:46,500,999, T>A on the plus strand (A>T on the coding strand, the complement: ZNF674 is on the minus strand). VCF-style: chrX-46500999-T-A. GRCh37 (hg19) VCF-style: chrX-46360434-T-A.
Other names: c.590A>T, p.Asp197Val (NM_001039891.3); c.572A>T, p.Asp191Val (NM_001146291.2); short protein forms D191V, D192V, D197V.
Identifiers: ClinVar variation 3348031 (VCV003348031.1).